The following is an entry in ClinVar:

NM_020975.6(RET):c.1498C>A (p.Leu500Met)

Gene: RET (ret proto-oncogene; plus strand). Cytogenetic location: 10q11.21.
Variant type: single nucleotide variant.
Coding change: c.1498C>A on transcript NM_020975.6 (MANE Select); coding-DNA position 1498, C replaced by A.
Protein change: p.Leu500Met; replaces leucine 500 with methionine.
Molecular consequence: missense variant.
Genome position (GRCh38, 1-based): chr10:43,111,441, C>A. VCF-style: chr10-43111441-C-A. GRCh37 (hg19) VCF-style: chr10-43606889-C-A.
Other names: c.1498C>A, p.Leu500Met (NM_000323.2, NM_001406743.1, NM_001406744.1 and 6 more transcripts); c.736C>A, p.Leu246Met (NM_001355216.2); c.1369C>A, p.Leu457Met (NM_001406761.1, NM_001406762.1, NM_001406764.1 and 1 more transcripts); c.1210C>A, p.Leu404Met (NM_001406766.1, NM_001406767.1, NM_001406770.1); c.1102C>A, p.Leu368Met (NM_001406769.1, NM_001406772.1); c.1060C>A, p.Leu354Met (NM_001406771.1, NM_001406773.1); c.973C>A, p.Leu325Met (NM_001406774.1); c.772C>A, p.Leu258Met (NM_001406775.1, NM_001406776.1, NM_001406777.1 and 1 more transcripts); and 1 more; short protein forms L170M, L258M, L325M, L354M, L404M, L457M, L246M, L368M.
Identifiers: ClinVar variation 1773919 (VCV001773919.3), dbSNP rs2132776490, ClinGen allele CA376549969.

ClinVar aggregate classification (germline): Uncertain significance. Review status: criteria provided, multiple submitters, no conflicts (2 of 4 stars). 2 submissions from 2 submitters: Uncertain significance (2). Last evaluated 2023-06-28.

Conditions:
Hereditary cancer-predisposing syndrome. Also called: Hereditary Cancer Syndrome; Hereditary neoplastic syndrome; Neoplastic Syndromes, Hereditary; Tumor predisposition. Identifiers: Orphanet 140162, MedGen C0027672, MeSH D009386, MONDO:0015356.

gnomAD v4.1: 1 of 1,604,626 alleles (0.000062%); no homozygotes.

Submissions (2):

GeneDx
Classification: Uncertain significance. Last evaluated: 2023-06-28. Review status: criteria provided, single submitter. Criteria: GeneDx Variant Classification Process June 2021. Collection method: clinical testing. Allele origin: germline. Affected: yes.
Comment: Not observed at significant frequency in large population cohorts (gnomAD); In silico analysis supports that this missense variant does not alter protein structure/function; Has not been previously published as pathogenic or benign to our knowledge; This variant is associated with the following publications: (PMID: 14633923)

Ambry Genetics
Classification: Uncertain significance for Hereditary cancer-predisposing syndrome. Last evaluated: 2022-01-30. Review status: criteria provided, single submitter. Criteria: Ambry Variant Classification Scheme 2023. Collection method: clinical testing. Allele origin: germline.
Comment: The p.L500M variant (also known as c.1498C>A), located in coding exon 7 of the RET gene, results from a C to A substitution at nucleotide position 1498. The leucine at codon 500 is replaced by methionine, an amino acid with highly similar properties. This amino acid position is conserved. In addition, this alteration is predicted to be tolerated by in silico analysis. Since supporting evidence is limited at this time, the clinical significance of this alteration remains unclear.